The following is an entry in ClinVar:

NM_001009944.3(PKD1):c.2337C>T (p.Thr779=)

Gene: PKD1 (polycystin 1, transient receptor potential channel interacting; minus strand). Cytogenetic location: 16p13.3.
Variant type: single nucleotide variant.
Coding change: c.2337C>T on transcript NM_001009944.3 (MANE Select); coding-DNA position 2337, C replaced by T.
Protein change: p.Thr779=; no amino-acid change (threonine 779 retained).
Molecular consequence: synonymous variant.
Genome position (GRCh38, 1-based): chr16:2,114,686, G>A on the plus strand (C>T on the coding strand, the complement: PKD1 is on the minus strand). VCF-style: chr16-2114686-G-A. GRCh37 (hg19) VCF-style: chr16-2164687-G-A.
Other names: c.2337C>T, p.Thr779= (NM_000296.4).
Identifiers: ClinVar variation 5039198 (VCV005039198.1).

ClinVar aggregate classification (germline): Likely benign (1 of 4 stars; one submission).

gnomAD v4.1: 82 of 1,539,852 alleles (0.0053%); highest among the groups gnomAD compares: Admixed American, 0.0097%; no homozygotes.

Submission:

CeGaT Center for Human Genetics Tuebingen
Classification: Likely benign. Last evaluated: 2026-08-01. Review status: criteria provided, single submitter. Criteria: CeGaT Center For Human Genetics Tuebingen Variant Classification Criteria Version 2. Collection method: clinical testing. Allele origin: germline. Affected: yes. Observed: 1 variant allele.
Comment: PKD1: BP4, BP7